The following is an entry in ClinVar:

ClinVar aggregate classification (germline): Likely benign (1 of 4 stars; one submission).

Conditions:
ABCA7-related disorder. Also called: ABCA7-related condition.

gnomAD v4.1: 1,037 of 1,596,382 alleles (0.065%); highest among the groups gnomAD compares: Non-Finnish European, 0.08%; 4 homozygotes.

Submissions (2):

PreventionGenetics, part of Exact Sciences
Classification: Likely benign for ABCA7-related condition. Last evaluated: 2025-05-23. Review status: criteria provided, single submitter. Criteria: ACMG Guidelines, 2015. Collection method: clinical testing. Allele origin: germline.
Comment: This variant is classified as likely benign based on ACMG/AMP sequence variant interpretation guidelines (Richards et al. 2015 PMID: 25741868, with internal and published modifications).

Dr. Peter K. Rogan Lab, Western University
No classification provided (evidence only). Condition: Uterine corpus endometrial carcinoma. Review status: no classification provided. Collection method: in vitro. Allele origin: not applicable. Functional consequence: retained intron. Not counted in ClinVar's aggregate classification.

NM_019112.4(ABCA7):c.1846-10C>A

Gene: ABCA7 (ATP binding cassette subfamily A member 7; plus strand). Cytogenetic location: 19p13.3.
Variant type: single nucleotide variant.
Coding change: c.1846-10C>A on transcript NM_019112.4 (MANE Select); 10 bases into the intron before coding-DNA position 1846, C replaced by A.
Molecular consequence: intron variant.
Genome position (GRCh38, 1-based): chr19:1,047,147, C>A. VCF-style: chr19-1047147-C-A. GRCh37 (hg19) VCF-style: chr19-1047146-C-A.
Other names: NC_000019.9:g.1047146C>A; c.1846-10C>A (NM_019112.3).
Identifiers: ClinVar variation 4433498 (VCV004433498.2).